The following is an entry in ClinVar:

ClinVar aggregate classification (germline): Benign (0 of 4 stars; one submission).

Conditions:
LRP1B-related disorder. Also called: LRP1B-related condition.

Allele frequency attached by ClinVar (database versions not stated): 1000 Genomes Project 0.03395; 1000 Genomes Project 30x 0.03435; TOPMed 0.04228; gnomAD 0.04376; ESP Exome Variant Server 0.04606; ExAC 0.05282.
gnomAD v4.1: 95,013 of 1,613,432 alleles (5.9%); highest among the groups gnomAD compares: South Asian, 8.2%; 3,169 homozygotes.

Submission:

PreventionGenetics, part of Exact Sciences
Classification: Benign for LRP1B-related condition. Last evaluated: 2019-03-25. Review status: no assertion criteria provided. Collection method: clinical testing. Allele origin: germline.
Comment: This variant is classified as benign based on ACMG/AMP sequence variant interpretation guidelines (Richards et al. 2015 PMID: 25741868, with internal and published modifications).

NM_018557.3(LRP1B):c.2058G>T (p.Arg686=)

Gene: LRP1B (LDL receptor related protein 1B; minus strand). Cytogenetic location: 2q22.1.
Variant type: single nucleotide variant.
Coding change: c.2058G>T on transcript NM_018557.3 (MANE Select); coding-DNA position 2058, G replaced by T.
Protein change: p.Arg686=; no amino-acid change (arginine 686 retained).
Molecular consequence: synonymous variant.
Genome position (GRCh38, 1-based): chr2:141,015,828, C>A on the plus strand (G>T on the coding strand, the complement: LRP1B is on the minus strand). VCF-style: chr2-141015828-C-A. GRCh37 (hg19) VCF-style: chr2-141773397-C-A.
Identifiers: ClinVar variation 3055701 (VCV003055701.2), dbSNP rs78806080, ClinGen allele CA1895849.